The following is an entry in ClinVar:

ClinVar aggregate classification (germline): Benign (1 of 4 stars; one submission).

Conditions:
Pheochromocytoma/paraganglioma syndrome 4. Also called: CAROTID BODY TUMORS AND MULTIPLE EXTRAADRENAL PHEOCHROMOCYTOMAS; PARAGANGLIOMA, FAMILIAL MALIGNANT; PARAGANGLIOMAS, HEREDITARY EXTRAADRENAL; PHEOCHROMOCYTOMA, FAMILIAL EXTRAADRENAL; Paragangliomas 4; SDHB-Related Hereditary Paraganglioma-Pheochromocytoma Syndrome (Paragangliomas 4). Identifiers: Orphanet 29072, MedGen C1861848, MONDO:0007273, OMIM 115310.

Submission:

Myriad Genetics, Inc.
Classification: Benign for Pheochromocytoma/paraganglioma syndrome 4. Last evaluated: 2025-03-11. Review status: criteria provided, single submitter. Criteria: Myriad Autosomal Dominant, Autosomal Recessive and X-Linked Classification Criteria (2023). Collection method: clinical testing. Allele origin: unknown.
Comment: This variant is considered benign. This variant is a silent/synonymous amino acid change and it is not expected to impact splicing.

NM_003000.3(SDHB):c.15_18delinsGGCA (p.Val5_Ala6=)

Gene: SDHB (succinate dehydrogenase complex iron sulfur subunit B; minus strand). Cytogenetic location: 1p36.13.
Variant type: Indel.
Coding change: c.15_18delinsGGCA on transcript NM_003000.3 (MANE Select); coding-DNA positions 15 to 18, CGCC replaced by GGCA.
Protein change: p.Val5_Ala6=.
Molecular consequence: synonymous variant.
Genome position (GRCh38, 1-based): chr1:17,054,002-17,054,005, GGCG replaced by TGCC on the plus strand (CGCC replaced by GGCA on the coding strand, the reverse complement: SDHB is on the minus strand). VCF-style: chr1-17054002-GGCG-TGCC. GRCh37 (hg19) VCF-style: chr1-17380497-GGCG-TGCC.
Other names: c.15_18delinsGGCA, p.Val5_Ala6= (NM_001407361.1).
Identifiers: ClinVar variation 3904466 (VCV003904466.1).